The following is an entry in ClinVar:

ClinVar aggregate classification (germline): Benign/Likely benign. Review status: criteria provided, multiple submitters, no conflicts (2 of 4 stars). 5 submissions from 5 submitters: Benign (4); Likely benign (1). Last evaluated 2026-01-28.

Allele frequency attached by ClinVar (database versions not stated): gnomAD exomes 0.00017 and 0.00050; ExAC 0.00069; 1000 Genomes Project 30x 0.00156; 1000 Genomes Project 0.00180; gnomAD 0.00189 and 0.00201; ESP Exome Variant Server 0.00192; TOPMed 0.00204.
gnomAD v4.1: 559 of 1,614,078 alleles (0.035%); highest among the groups gnomAD compares: African/African-American, 0.63%; 3 homozygotes.

Submissions (5):

Labcorp Genetics (formerly Invitae), Labcorp
Classification: Benign. Last evaluated: 2026-01-28. Review status: criteria provided, single submitter. Criteria: Invitae Variant Classification Sherloc (09022015). Collection method: clinical testing. Allele origin: germline.

Blueprint Genetics
Classification: Likely benign. Last evaluated: 2024-07-15. Review status: criteria provided, single submitter. Criteria: ACMG Guidelines, 2015. Collection method: clinical testing. Allele origin: germline.

CeGaT Center for Human Genetics Tuebingen
Classification: Benign. Last evaluated: 2022-03-01. Review status: criteria provided, single submitter. Criteria: CeGaT Center For Human Genetics Tuebingen Variant Classification Criteria Version 2. Collection method: clinical testing. Allele origin: germline. Affected: yes. Observed: 1 variant allele.
Comment: MTOR: BS1, BS2

GeneDx
Classification: Benign. Last evaluated: 2020-04-08. Review status: criteria provided, single submitter. Criteria: GeneDx Variant Classification Process June 2021. Collection method: clinical testing. Allele origin: germline. Affected: yes.

Breakthrough Genomics
Classification: Benign. Review status: criteria provided, single submitter. Criteria: ACMG Guidelines, 2015. Collection method: not provided. Allele origin: germline. Inheritance: Autosomal dominant inheritance. Affected: yes.

NM_004958.4(MTOR):c.423C>T (p.Thr141=)

Gene: MTOR (mechanistic target of rapamycin kinase; minus strand). Cytogenetic location: 1p36.22.
Variant type: single nucleotide variant.
Coding change: c.423C>T on transcript NM_004958.4 (MANE Select); coding-DNA position 423, C replaced by T.
Protein change: p.Thr141=; no amino-acid change (threonine 141 retained).
Molecular consequence: synonymous variant.
Genome position (GRCh38, 1-based): chr1:11,257,014, G>A on the plus strand (C>T on the coding strand, the complement: MTOR is on the minus strand). VCF-style: chr1-11257014-G-A. GRCh37 (hg19) VCF-style: chr1-11317071-G-A.
Identifiers: ClinVar variation 696367 (VCV000696367.39), dbSNP rs137902498, ClinGen allele CA590949.